The following is an entry in ClinVar:

NM_024700.4(SNIP1):c.719G>A (p.Arg240Gln)

Genes: SNIP1 (Smad nuclear interacting protein 1; minus strand), LOC126805704 (BRD4-independent group 4 enhancer GRCh37_chr1:38005292-38006491; plus strand). Cytogenetic location: 1p34.3.
Variant type: single nucleotide variant.
Coding change: c.719G>A on transcript NM_024700.4 (MANE Select); coding-DNA position 719, G replaced by A.
Protein change: p.Arg240Gln; replaces arginine 240 with glutamine.
Molecular consequence: missense variant.
Genome position (GRCh38, 1-based): chr1:37,540,364, C>T on the plus strand (G>A on the coding strand, the complement: SNIP1 is on the minus strand). VCF-style: chr1-37540364-C-T. GRCh37 (hg19) VCF-style: chr1-38005965-C-T.
Other names: short protein forms R240Q.
Identifiers: ClinVar variation 1462854 (VCV001462854.8), dbSNP rs1260406513, ClinGen allele CA339449866.

ClinVar aggregate classification (germline): Uncertain significance (1 of 4 stars; one submission).

Allele frequency attached by ClinVar (database versions not stated): TOPMed below 0.00001; gnomAD exomes below 0.00001.
gnomAD v4.1: 5 of 1,614,070 alleles (0.00031%); highest among the groups gnomAD compares: Non-Finnish European, 0.00042%; no homozygotes.

Submission:

Labcorp Genetics (formerly Invitae), Labcorp
Classification: Uncertain significance. Last evaluated: 2025-10-13. Review status: criteria provided, single submitter. Criteria: Invitae Variant Classification Sherloc (09022015). Collection method: clinical testing. Allele origin: germline.
Comment: This sequence change replaces arginine, which is basic and polar, with glutamine, which is neutral and polar, at codon 240 of the SNIP1 protein (p.Arg240Gln). This variant is present in population databases (no rsID available, gnomAD 0.002%). This variant has not been reported in the literature in individuals affected with SNIP1-related conditions. ClinVar contains an entry for this variant (Variation ID: 1462854). Invitae Evidence Modeling of protein sequence and biophysical properties (such as structural, functional, and spatial information, amino acid conservation, physicochemical variation, residue mobility, and thermodynamic stability) indicates that this missense variant is expected to disrupt SNIP1 protein function with a positive predictive value of 80%. In summary, the available evidence is currently insufficient to determine the role of this variant in disease. Therefore, it has been classified as a Variant of Uncertain Significance.